The following is an entry in ClinVar:

NM_005826.5(HNRNPR):c.547C>T (p.Pro183Ser)

Gene: HNRNPR (heterogeneous nuclear ribonucleoprotein R; minus strand). Cytogenetic location: 1p36.12.
Variant type: single nucleotide variant.
Coding change: c.547C>T on transcript NM_005826.5 (MANE Select); coding-DNA position 547, C replaced by T.
Protein change: p.Pro183Ser; replaces proline 183 with serine.
Molecular consequence: missense variant. On other transcripts: intron variant (1).
Genome position (GRCh38, 1-based): chr1:23,323,684, G>A on the plus strand (C>T on the coding strand, the complement: HNRNPR is on the minus strand). VCF-style: chr1-23323684-G-A. GRCh37 (hg19) VCF-style: chr1-23650177-G-A.
Other names: c.244C>T, p.Pro82Ser (NM_001102397.3, NM_001102399.3); c.547C>T, p.Pro183Ser (NM_001102398.3); c.433C>T, p.Pro145Ser (NM_001297620.2); c.130C>T, p.Pro44Ser (NM_001297622.2); c.196-2021C>T (NM_001297621.2); short protein forms P145S, P183S, P44S, P82S.
Identifiers: ClinVar variation 3901376 (VCV003901376.2).

ClinVar aggregate classification (germline): Uncertain significance (1 of 4 stars; one submission).

gnomAD v4.1: 1 of 1,613,912 alleles (0.000062%); highest among the groups gnomAD compares: Admixed American, 0.0017%; no homozygotes.

Submission:

GeneDx
Classification: Uncertain significance. Last evaluated: 2025-08-15. Review status: criteria provided, single submitter. Criteria: GeneDx Variant Classification Process June 2021. Collection method: clinical testing. Allele origin: germline. Affected: yes.
Comment: Not observed at significant frequency in large population cohorts (gnomAD); In silico analysis supports that this missense variant has a deleterious effect on protein structure/function; Has not been previously published as pathogenic or benign to our knowledge